The following is an entry in ClinVar:

NM_001369.3(DNAH5):c.11140A>G (p.Ile3714Val)

Gene: DNAH5 (dynein axonemal heavy chain 5; minus strand). Cytogenetic location: 5p15.2.
Variant type: single nucleotide variant.
Coding change: c.11140A>G on transcript NM_001369.3 (MANE Select); coding-DNA position 11140, A replaced by G.
Protein change: p.Ile3714Val; replaces isoleucine 3714 with valine.
Molecular consequence: missense variant.
Genome position (GRCh38, 1-based): chr5:13,751,149, T>C on the plus strand (A>G on the coding strand, the complement: DNAH5 is on the minus strand). VCF-style: chr5-13751149-T-C. GRCh37 (hg19) VCF-style: chr5-13751258-T-C.
Other names: short protein forms I3714V.
Identifiers: ClinVar variation 552084 (VCV000552084.22), dbSNP rs143185806, ClinGen allele CA3202043.
Genomic context (GRCh38, chr5:13,751,149, plus strand): 5'-TGAGAATGACCCTCCCCAGTAACTGATCTTCTAGACCTTTCATGGTGACAGTGAAGTCAA[T>C]GATGGAGGTACGGGCACTTATCTCAGGGGTGTAGGCTGGGTTAGGCAATTTGGTGGTAAT-3'
Protein context (NP_001360.1, residues 3704-3724): TPEISARTSI[Ile3714Val]DFTVTMKGLE

ClinVar aggregate classification (germline): Conflicting classifications of pathogenicity. Review status: criteria provided, conflicting classifications (1 of 4 stars). 7 submissions from 7 submitters: Uncertain significance (2); Benign (2); Likely benign (1). 2 of the submissions do not count toward it. Last evaluated 2026-04-21.

Conditions:
DNAH5-related disorder. Also called: DNAH5-related condition.
Primary ciliary dyskinesia. Also called: Ciliary dyskinesia. Identifiers: Orphanet 244, MedGen C0008780, MONDO:0016575, HP:0012265.
Primary ciliary dyskinesia 3. Identifiers: Orphanet 244, MedGen C1837618, MONDO:0012085, OMIM 608644.

Allele frequency attached by ClinVar (database versions not stated): gnomAD exomes 0.00009 and 0.00015; ExAC 0.00023; gnomAD 0.00070 and 0.00077; TOPMed 0.00079; 1000 Genomes Project 0.00080; ESP Exome Variant Server 0.00100; 1000 Genomes Project 30x 0.00109.

Submissions (7):

Ambry Genetics
Classification: Benign for Primary ciliary dyskinesia. Last evaluated: 2026-04-21. Review status: criteria provided, single submitter. Criteria: Ambry Variant Classification Scheme 2023. Collection method: clinical testing. Allele origin: germline.

PreventionGenetics, part of Exact Sciences
Classification: Likely benign for DNAH5-related condition. Last evaluated: 2025-11-07. Review status: criteria provided, single submitter. Criteria: ACMG Guidelines, 2015. Collection method: clinical testing. Allele origin: germline.
Comment: This variant is classified as likely benign based on ACMG/AMP sequence variant interpretation guidelines (Richards et al. 2015 PMID: 25741868, with internal and published modifications).

Labcorp Genetics (formerly Invitae), Labcorp
Classification: Benign for Primary ciliary dyskinesia. Last evaluated: 2025-08-19. Review status: criteria provided, single submitter. Criteria: Invitae Variant Classification Sherloc (09022015). Collection method: clinical testing. Allele origin: germline.

Johns Hopkins Genomics, Johns Hopkins University
Classification: Uncertain significance for Primary ciliary dyskinesia 3. Last evaluated: 2023-12-04. Review status: criteria provided, single submitter. Criteria: ACMG Guidelines, 2015. Collection method: clinical testing. Allele origin: germline.

Eurofins Ntd Llc (ga)
Classification: Uncertain significance. Last evaluated: 2018-03-06. Review status: criteria provided, single submitter. Criteria: EGL ClinVar v180209 classification definitions. Collection method: clinical testing. Allele origin: germline. Observed: 1 variant allele, 1 heterozygote.

Natera, Inc.
Classification: Uncertain significance for Primary ciliary dyskinesia. Last evaluated: 2020-01-02. Review status: no assertion criteria provided. Collection method: clinical testing. Allele origin: germline. Not counted in ClinVar's aggregate classification.

Counsyl
Classification: Uncertain significance for Primary ciliary dyskinesia 3. Last evaluated: 2017-05-26. Review status: no assertion criteria provided. Collection method: clinical testing. Allele origin: unknown. Not counted in ClinVar's aggregate classification.

Literature cited by the submitters: PubMed 22499950 (cited by Johns Hopkins Genomics, Johns Hopkins University and Counsyl).